The following is an entry in ClinVar:

ClinVar aggregate classification (germline): Uncertain significance. Review status: criteria provided, multiple submitters, no conflicts (2 of 4 stars). 4 submissions from 4 submitters: Uncertain significance (4). Last evaluated 2025-11-17.

Conditions:
Cardiovascular phenotype. Identifiers: MedGen CN230736.
Catecholaminergic polymorphic ventricular tachycardia 1. Also called: VENTRICULAR TACHYCARDIA, STRESS-INDUCED POLYMORPHIC 1; RYR2-Related Catecholaminergic Polymorphic Ventricular Tachycardia; VENTRICULAR TACHYCARDIA, CATECHOLAMINERGIC POLYMORPHIC, 1, WITH OR WITHOUT ATRIAL DYSFUNCTION AND/OR DILATED CARDIOMYOPATHY. Identifiers: Orphanet 3286, MedGen C1631597, MONDO:0011484, OMIM 604772.
Cardiomyopathy (CMYO). Also called: Cardiomyopathies. Identifiers: Orphanet 167848, MedGen C0878544, MONDO:0004994, HP:0001638. Inheritance: Various modes of inheritance.

gnomAD v4.1: 1 of 1,612,130 alleles (0.000062%); no homozygotes.

Submissions (4):

Labcorp Genetics (formerly Invitae), Labcorp
Classification: Uncertain significance for Catecholaminergic polymorphic ventricular tachycardia 1. Last evaluated: 2025-11-17. Review status: criteria provided, single submitter. Criteria: Invitae Variant Classification Sherloc (09022015). Collection method: clinical testing. Allele origin: germline.
Comment: This sequence change replaces alanine, which is neutral and non-polar, with glycine, which is neutral and non-polar, at codon 4542 of the RYR2 protein (p.Ala4542Gly). This variant is not present in population databases (gnomAD no frequency). This variant has not been reported in the literature in individuals affected with RYR2-related conditions. ClinVar contains an entry for this variant (Variation ID: 2587836). Invitae Evidence Modeling of protein sequence and biophysical properties (such as structural, functional, and spatial information, amino acid conservation, physicochemical variation, residue mobility, and thermodynamic stability) indicates that this missense variant is not expected to disrupt RYR2 protein function with a negative predictive value of 95%. In summary, the available evidence is currently insufficient to determine the role of this variant in disease. Therefore, it has been classified as a Variant of Uncertain Significance.

Color Diagnostics, LLC DBA Color Health
Classification: Uncertain significance for Cardiomyopathy. Last evaluated: 2025-09-01. Review status: criteria provided, single submitter. Criteria: ACMG Guidelines, 2015. Collection method: clinical testing. Allele origin: germline.
Comment: This missense variant replaces alanine with glycine at codon 4542 of the RYR2 protein. Computational prediction suggests that this variant may not impact protein structure and function. To our knowledge, functional studies have not been reported for this variant. This variant has not been reported in individuals affected with RYR2-related disorders in the literature. This variant has not been identified in the general population by the Genome Aggregation Database (gnomAD). The available evidence is insufficient to determine the role of this variant in disease conclusively. Therefore, this variant is classified as a Variant of Uncertain Significance.

Ambry Genetics
Classification: Uncertain significance for Cardiovascular phenotype. Last evaluated: 2023-09-05. Review status: criteria provided, single submitter. Criteria: Ambry Variant Classification Scheme 2023. Collection method: clinical testing. Allele origin: germline.
Comment: The p.A4542G variant (also known as c.13625C>G), located in coding exon 94 of the RYR2 gene, results from a C to G substitution at nucleotide position 13625. The alanine at codon 4542 is replaced by glycine, an amino acid with similar properties. This amino acid position is not well conserved in available vertebrate species. In addition, this alteration is predicted to be tolerated by in silico analysis. Since supporting evidence is limited at this time, the clinical significance of this alteration remains unclear.

Breakthrough Genomics
Classification: Uncertain significance. Review status: criteria provided, single submitter. Criteria: ACMG Guidelines, 2015. Collection method: not provided. Allele origin: germline. Inheritance: Autosomal dominant inheritance. Affected: yes.

NM_001035.3(RYR2):c.13625C>G (p.Ala4542Gly)

Gene: RYR2 (ryanodine receptor 2; plus strand). Cytogenetic location: 1q43.
Variant type: single nucleotide variant.
Coding change: c.13625C>G on transcript NM_001035.3 (MANE Select); coding-DNA position 13625, C replaced by G.
Protein change: p.Ala4542Gly; replaces alanine 4542 with glycine.
Molecular consequence: missense variant.
Genome position (GRCh38, 1-based): chr1:237,792,166, C>G. VCF-style: chr1-237792166-C-G. GRCh37 (hg19) VCF-style: chr1-237955466-C-G.
Other names: short protein forms A4542G.
Identifiers: ClinVar variation 2587836 (VCV002587836.7), dbSNP rs2527919652, ClinGen allele CA345417385.
Genomic context (GRCh38, chr1:237,792,166, plus strand): 5'-TCTCCACTTCTTCTGTGGTTGAAGGAAAGGAGCTCCCCACGAGAAGTTCAAGTGAAAATG[C>G]CAAAGTGACAAGCCTGGACAGCAGCTCCCATAGAATCATCGCAGTTCACTATGTACTAGA-3'
Protein context (NP_001026.2, residues 4532-4552): ELPTRSSSEN[Ala4542Gly]KVTSLDSSSH